The following is an entry in ClinVar:

ClinVar aggregate classification (germline): Uncertain significance. Review status: criteria provided, multiple submitters, no conflicts (2 of 4 stars). 2 submissions from 2 submitters: Uncertain significance (2). Last evaluated 2023-11-03.

Conditions:
Tuberous sclerosis 2 (TSC2). Identifiers: Orphanet 805, MedGen C1860707, MONDO:0013199, OMIM 613254.
Hereditary cancer-predisposing syndrome. Also called: Neoplastic Syndromes, Hereditary; Tumor predisposition; Hereditary Cancer Syndrome; Hereditary neoplastic syndrome. Identifiers: Orphanet 140162, MedGen C0027672, MeSH D009386, MONDO:0015356.

Submissions (2):

Labcorp Genetics (formerly Invitae), Labcorp
Classification: Uncertain significance for Tuberous sclerosis 2. Last evaluated: 2023-11-03. Review status: criteria provided, single submitter. Criteria: Invitae Variant Classification Sherloc (09022015). Collection method: clinical testing. Allele origin: germline.
Comment: This variant, c.4522_4524del, results in the deletion of 1 amino acid(s) of the TSC2 protein (p.Pro1508del), but otherwise preserves the integrity of the reading frame. This variant is not present in population databases (gnomAD no frequency). This variant has not been reported in the literature in individuals affected with TSC2-related conditions. ClinVar contains an entry for this variant (Variation ID: 1741221). Experimental studies and prediction algorithms are not available or were not evaluated, and the functional significance of this variant is currently unknown. In summary, the available evidence is currently insufficient to determine the role of this variant in disease. Therefore, it has been classified as a Variant of Uncertain Significance.

Ambry Genetics
Classification: Uncertain significance for Hereditary cancer-predisposing syndrome. Last evaluated: 2019-05-14. Review status: criteria provided, single submitter. Criteria: Ambry Variant Classification Scheme 2023. Collection method: clinical testing. Allele origin: germline.
Comment: The c.4522_4524delCCC variant (also known as p.P1508del) is located in coding exon 34 of the TSC2 gene. This variant results from an in-frame CCC deletion at nucleotide positions 4522 to 4524. This results in the in-frame deletion of a proline at codon 1508. This amino acid position is highly conserved in available vertebrate species. Since supporting evidence is limited at this time, the clinical significance of this alteration remains unclear.

NM_000548.5(TSC2):c.4522_4524del (p.Pro1508del)

Gene: TSC2 (TSC complex subunit 2; plus strand). Cytogenetic location: 16p13.3.
Variant type: Deletion.
Coding change: c.4522_4524del on transcript NM_000548.5 (MANE Select); coding-DNA positions 4522 to 4524, 3 bases deleted (CCC; older notation c.4522_4524delCCC).
Protein change: p.Pro1508del; deletes proline 1508.
Molecular consequence: inframe deletion. On other transcripts: inframe indel (32).
Genome position (GRCh38, 1-based): chr16:2,084,979-2,084,981, CCC deleted; deleting any 3 consecutive bases within chr16:2,084,977-2,084,981 gives the same sequence; the c. name uses the placement nearest the transcript's 3' end. VCF-style (leftmost placement, unchanged base first): chr16-2084976-TCCC-T. GRCh37 (hg19) VCF-style: chr16-2134977-TCCC-T.
Other names: c.4321_4323del, p.Pro1441del (NM_001077183.3); c.4453_4455del, p.Pro1485del (NM_001114382.3); c.4213_4215del, p.Pro1405del (NM_001318827.2); c.4177_4179del, p.Pro1393del (NM_001318829.2); c.3790_3792del, p.Pro1264del (NM_001318831.2); c.4354_4356del, p.Pro1452del (NM_001318832.2); c.4324_4326del, p.Pro1442del (NM_001363528.2); c.4390_4392del, p.Pro1464del (NM_001370404.1); and 26 more; short protein forms P1016del, P1017del, P1242del, P1405del, P1441del, P1448del, P1465del, P1471del.
Identifiers: ClinVar variation 1741221 (VCV001741221.5), dbSNP rs1567526941, ClinGen allele CA2580091003.
Genomic context (GRCh38, chr16:2,084,976, plus strand): 5'-CTCACCTGGGTGCCCACCATCCCCTCCCTGTGCAGTTTCGTGTTCCTGCAGCTCTACCAT[TCCC>T]CCTTCTTTGGCGACGAGTCAAACAAGCCAATCCTGCTGCCCAATGAGGTAGGCGTGGCCT-3'